The following is an entry in ClinVar:

NC_000009.11:g.(?_133355093)_(133355236_?)del

Gene: ASS1 (argininosuccinate synthase 1; plus strand). Cytogenetic location: 9q34.11.
Variant type: Deletion.
Identifiers: ClinVar variation 1458486 (VCV001458486.11).

ClinVar aggregate classification (germline): Pathogenic (1 of 4 stars; one submission).

Conditions:
Citrullinemia. Identifiers: Orphanet 187, MedGen C0175683, MONDO:0015991.

Submission:

Labcorp Genetics (formerly Invitae), Labcorp
Classification: Pathogenic for Citrullinemia. Last evaluated: 2021-05-05. Review status: criteria provided, single submitter. Criteria: Invitae Variant Classification Sherloc (09022015). Collection method: clinical testing. Allele origin: germline.
Comment: For these reasons, this variant has been classified as Pathogenic. This variant has not been reported in the literature in individuals with ASS1-related conditions. This variant is a gross deletion of the genomic region encompassing exon(s) 11 of the ASS1 gene. This deletion is out-of-frame, and is expected to create a premature translational stop signal and result in an absent or disrupted protein product. Loss-of-function variants in ASS1 are known to be pathogenic (PMID: 18473344, 19006241).

Literature cited by the submitters: PubMed 18473344; PubMed 19006241.